The following is an entry in ClinVar:

ClinVar aggregate classification (germline): Conflicting classifications of pathogenicity. Review status: criteria provided, conflicting classifications (1 of 4 stars). 3 submissions from 3 submitters: Uncertain significance (2); Likely benign (1). Last evaluated 2025-11-05.

Conditions:
Inborn genetic diseases. Identifiers: MedGen C0950123, MeSH D030342.

Allele frequency attached by ClinVar (database versions not stated): ExAC 0.00001; gnomAD exomes 0.00001; TOPMed 0.00002.
gnomAD v4.1: 9 of 1,613,122 alleles (0.00056%); highest among the groups gnomAD compares: Admixed American, 0.0033%; no homozygotes.

Submissions (3):

Ambry Genetics
Classification: Uncertain significance for Inborn genetic diseases. Last evaluated: 2025-11-05. Review status: criteria provided, single submitter. Criteria: Ambry Variant Classification Scheme 2023. Collection method: clinical testing. Allele origin: germline.

Labcorp Genetics (formerly Invitae), Labcorp
Classification: Uncertain significance. Last evaluated: 2024-01-04. Review status: criteria provided, single submitter. Criteria: Invitae Variant Classification Sherloc (09022015). Collection method: clinical testing. Allele origin: germline.
Comment: This sequence change replaces alanine, which is neutral and non-polar, with valine, which is neutral and non-polar, at codon 237 of the LCT protein (p.Ala237Val). This variant is present in population databases (rs778695432, gnomAD 0.006%). This variant has not been reported in the literature in individuals affected with LCT-related conditions. ClinVar contains an entry for this variant (Variation ID: 1496624). Algorithms developed to predict the effect of missense changes on protein structure and function output the following: SIFT: "Not Available"; PolyPhen-2: "Benign"; Align-GVGD: "Not Available". The valine amino acid residue is found in multiple mammalian species, which suggests that this missense change does not adversely affect protein function. In summary, the available evidence is currently insufficient to determine the role of this variant in disease. Therefore, it has been classified as a Variant of Uncertain Significance.

Blueprint Genetics
Classification: Likely benign. Last evaluated: 2022-09-14. Review status: criteria provided, single submitter. Criteria: ACMG Guidelines, 2015. Collection method: clinical testing. Allele origin: germline.

NM_002299.4(LCT):c.710C>T (p.Ala237Val)

Gene: LCT (lactase; minus strand). Cytogenetic location: 2q21.3.
Variant type: single nucleotide variant.
Coding change: c.710C>T on transcript NM_002299.4 (MANE Select); coding-DNA position 710, C replaced by T.
Protein change: p.Ala237Val; replaces alanine 237 with valine.
Molecular consequence: missense variant.
Genome position (GRCh38, 1-based): chr2:135,833,121, G>A on the plus strand (C>T on the coding strand, the complement: LCT is on the minus strand). VCF-style: chr2-135833121-G-A. GRCh37 (hg19) VCF-style: chr2-136590691-G-A.
Other names: c.710C>T (NM_002299.2); short protein forms A237V.
Identifiers: ClinVar variation 1496624 (VCV001496624.6), dbSNP rs778695432, ClinGen allele CA1888564.